The following is an entry in ClinVar:

NM_001366722.1(GRIP1):c.3255C>A (p.Asn1085Lys)

Gene: GRIP1 (glutamate receptor interacting protein 1; minus strand). Cytogenetic location: 12q14.3.
Variant type: single nucleotide variant.
Coding change: c.3255C>A on transcript NM_001366722.1 (MANE Select); coding-DNA position 3255, C replaced by A.
Protein change: p.Asn1085Lys; replaces asparagine 1085 with lysine.
Molecular consequence: missense variant.
Genome position (GRCh38, 1-based): chr12:66,349,151, G>T on the plus strand (C>A on the coding strand, the complement: GRIP1 is on the minus strand). VCF-style: chr12-66349151-G-T. GRCh37 (hg19) VCF-style: chr12-66742931-G-T.
Other names: c.3054C>A, p.Asn1018Lys (NM_001178074.2, NM_001379351.1); c.3174C>A, p.Asn1058Lys (NM_001366723.1); c.3177C>A, p.Asn1059Lys (NM_001366724.1); c.3333C>A, p.Asn1111Lys (NM_001379345.1); c.3210C>A, p.Asn1070Lys (NM_001379346.1); c.3132C>A, p.Asn1044Lys (NM_001379347.1); c.3129C>A, p.Asn1043Lys (NM_001379348.1); c.3102C>A, p.Asn1034Lys (NM_001379349.1); and 1 more; short protein forms N1018K, N1034K, N1070K, N1058K, N1059K, N1085K, N1033K, N1043K.
Identifiers: ClinVar variation 2018113 (VCV002018113.4), dbSNP rs2499570113, ClinGen allele CA385619429.

ClinVar aggregate classification (germline): Uncertain significance (1 of 4 stars; one submission).

Submission:

Labcorp Genetics (formerly Invitae), Labcorp
Classification: Uncertain significance. Last evaluated: 2022-07-19. Review status: criteria provided, single submitter. Criteria: Invitae Variant Classification Sherloc (09022015). Collection method: clinical testing. Allele origin: germline.
Comment: This variant has not been reported in the literature in individuals affected with GRIP1-related conditions. In summary, the available evidence is currently insufficient to determine the role of this variant in disease. Therefore, it has been classified as a Variant of Uncertain Significance. Algorithms developed to predict the effect of missense changes on protein structure and function are either unavailable or do not agree on the potential impact of this missense change (SIFT: "Deleterious"; PolyPhen-2: "Benign"; Align-GVGD: "Class C0"). This variant is not present in population databases (gnomAD no frequency). This sequence change replaces asparagine, which is neutral and polar, with lysine, which is basic and polar, at codon 1033 of the GRIP1 protein (p.Asn1033Lys).